The following is an entry in ClinVar:

ClinVar aggregate classification (germline): Uncertain significance (1 of 4 stars; one submission).

Submission:

ARUP Laboratories, Molecular Genetics and Genomics, ARUP Laboratories
Classification: Uncertain significance. Last evaluated: 2018-02-02. Review status: criteria provided, single submitter. Criteria: ARUP Molecular Germline Variant Investigation Process. Collection method: clinical testing. Allele origin: germline.
Comment: The HEXA c.1337C>G; p.Pro446Arg variant, to our knowledge, is not reported in the medical literature, gene specific variation databases, nor has it been previously identified by our laboratory. This variant is absent from the general population databases (1000 Genomes Project, Exome Variant Server, Genome Aggregation Database), indicating it is not a common polymorphism. The proline at position 446 is moderately conserved, considering 12 species, and computational analyses of the effects of the p.Pro446Arg variant on protein structure and function do not predict a deleterious effect (SIFT: tolerated, MutationTaster: polymorphism, PolyPhen-2: benign). Based on the available information, the clinical significance of the p.Pro446Arg variant cannot be determined with certainty.

NM_000520.6(HEXA):c.1337C>G (p.Pro446Arg)

Gene: HEXA (hexosaminidase subunit alpha; minus strand). Cytogenetic location: 15q23.
Variant type: single nucleotide variant.
Coding change: c.1337C>G on transcript NM_000520.6 (MANE Select); coding-DNA position 1337, C replaced by G.
Protein change: p.Pro446Arg; replaces proline 446 with arginine.
Molecular consequence: missense variant. On other transcripts: non-coding transcript variant (1).
Genome position (GRCh38, 1-based): chr15:72,346,319, G>C on the plus strand (C>G on the coding strand, the complement: HEXA is on the minus strand). VCF-style: chr15-72346319-G-C. GRCh37 (hg19) VCF-style: chr15-72638660-G-C.
Other names: c.1370C>G, p.Pro457Arg (NM_001318825.2); short protein forms P446R, P457R.
Identifiers: ClinVar variation 618678 (VCV000618678.8), dbSNP rs939203533, ClinGen allele CA393059388.